The following is an entry in ClinVar:

ClinVar aggregate classification (germline): Benign/Likely benign. Review status: criteria provided, multiple submitters, no conflicts (2 of 4 stars). 2 submissions from 2 submitters: Benign (1); Likely benign (1). Last evaluated 2026-09-11.

Conditions:
Colorectal cancer, susceptibility to, 1. Also called: COLORECTAL ADENOMA AND CANCER, SUSCEPTIBILITY TO; COLORECTAL CANCER, SUSCEPTIBILITY TO, ON CHROMOSOME 9. Identifiers: MedGen C1837315, MONDO:0012132, OMIM 608812.

Allele frequency attached by ClinVar (database versions not stated): gnomAD exomes below 0.00001.
gnomAD v4.1: 2 of 1,613,940 alleles (0.00012%); highest among the groups gnomAD compares: Non-Finnish European, 0.00017%; no homozygotes.

Submissions (2):

Myriad Genetics, Inc.
Classification: Benign for Colorectal cancer, susceptibility to, 1. Last evaluated: 2026-09-11. Review status: criteria provided, single submitter. Criteria: Myriad Autosomal Dominant, Autosomal Recessive and X-Linked Classification Criteria (2023). Collection method: clinical testing. Allele origin: unknown.
Comment: This variant is considered benign. This variant is a silent/synonymous amino acid change and it is not expected to impact splicing.

Ambry Genetics
Classification: Likely benign. Last evaluated: 2021-06-15. Review status: criteria provided, single submitter. Criteria: Ambry Variant Classification Scheme 2023. Collection method: clinical testing. Allele origin: germline.

NM_024642.5(GALNT12):c.1386C>T (p.Asn462=)

Gene: GALNT12 (polypeptide N-acetylgalactosaminyltransferase 12; plus strand). Cytogenetic location: 9q22.33.
Variant type: single nucleotide variant.
Coding change: c.1386C>T on transcript NM_024642.5 (MANE Select); coding-DNA position 1386, C replaced by T.
Protein change: p.Asn462=; no amino-acid change (asparagine 462 retained).
Molecular consequence: synonymous variant.
Genome position (GRCh38, 1-based): chr9:98,844,137, C>T. VCF-style: chr9-98844137-C-T. GRCh37 (hg19) VCF-style: chr9-101606419-C-T.
Identifiers: ClinVar variation 1771403 (VCV001771403.3), dbSNP rs143336366, ClinGen allele CA466425194.